The following is an entry in ClinVar:

ClinVar aggregate classification (germline): Uncertain significance (1 of 4 stars; one submission).

Conditions:
SH2B1-related disorder. Also called: SH2B1-related condition.

gnomAD v4.1: 91 of 1,613,992 alleles (0.0056%); highest among the groups gnomAD compares: Non-Finnish European, 0.0077%; no homozygotes.

Submission:

PreventionGenetics, part of Exact Sciences
Classification: Uncertain significance for SH2B1-related condition. Last evaluated: 2026-01-22. Review status: criteria provided, single submitter. Criteria: ACMG Guidelines, 2015. Collection method: clinical testing. Allele origin: germline.
Comment: The SH2B1 c.1820A>G variant is predicted to result in the amino acid substitution p.His607Arg. This variant has been reported in a cohort of individuals who underwent gastric bypass (Campos et al. 2022. PubMed ID: 35654930). This variant is reported in 0.012% of alleles in individuals of European (non-Finnish) descent in gnomAD. At this time, the clinical significance of this variant is uncertain due to the absence of conclusive functional and genetic evidence.

NM_001387430.1(SH2B1):c.1820A>G (p.His607Arg)

Gene: SH2B1 (SH2B adaptor protein 1; plus strand). Cytogenetic location: 16p11.2.
Variant type: single nucleotide variant.
Coding change: c.1820A>G on transcript NM_001387430.1 (MANE Select); coding-DNA position 1820, A replaced by G.
Protein change: p.His607Arg; replaces histidine 607 with arginine.
Molecular consequence: missense variant.
Genome position (GRCh38, 1-based): chr16:28,872,628, A>G. VCF-style: chr16-28872628-A-G. GRCh37 (hg19) VCF-style: chr16-28883949-A-G.
Other names: c.1820A>G, p.His607Arg (NM_001145795.2, NM_001145796.2, NM_001145797.2 and 4 more transcripts); c.812A>G, p.His271Arg (NM_001308294.2); short protein forms H271R, H607R.
Identifiers: ClinVar variation 3358361 (VCV003358361.2).